The following is an entry in ClinVar:

NM_000021.4(PSEN1):c.691G>A (p.Ala231Thr)

Gene: PSEN1 (presenilin 1; plus strand). Cytogenetic location: 14q24.2.
Variant type: single nucleotide variant.
Coding change: c.691G>A on transcript NM_000021.4 (MANE Select); coding-DNA position 691, G replaced by A.
Protein change: p.Ala231Thr; replaces alanine 231 with threonine.
Molecular consequence: missense variant.
Genome position (GRCh38, 1-based): chr14:73,192,786, G>A. VCF-style: chr14-73192786-G-A. GRCh37 (hg19) VCF-style: chr14-73659494-G-A.
Other names: c.679G>A, p.Ala227Thr (NM_007318.3); short protein forms A231T, A227T.
Identifiers: ClinVar variation 98065 (VCV000098065.3), dbSNP rs63749836, ClinGen allele CA225090.

ClinVar aggregate classification (germline): Likely pathogenic. Review status: criteria provided, multiple submitters, no conflicts (2 of 4 stars). 3 submissions from 3 submitters: Likely pathogenic (2). 1 of the submissions does not count toward it. Last evaluated 2022-01-11.

Conditions:
Alzheimer disease 3 (AD3). Also called: ALZHEIMER DISEASE, FAMILIAL, 3. Identifiers: Orphanet 1020, MedGen C1843013, MONDO:0011913, OMIM 607822.
Dilated cardiomyopathy 1U. Identifiers: Orphanet 154, MedGen C3160720, MONDO:0013371, OMIM 613694.
Acne inversa, familial, 3 (ACNINV3). Identifiers: MedGen C3151038, MONDO:0013398, OMIM 613737.
Frontotemporal dementia (FTD1). Also called: Frontotemporal Dementia with Parkinsonism-17 (FTDP-17); FRONTOTEMPORAL DEMENTIA WITH PARKINSONISM; FRONTOTEMPORAL LOBE DEMENTIA; MULTIPLE SYSTEM TAUOPATHY WITH PRESENILE DEMENTIA; Dementia, frontotemporal, with or without parkinsonism; WILHELMSEN-LYNCH DISEASE. Identifiers: Orphanet 282, MedGen C0338451, MONDO:0017276, OMIM 600274, HP:0002145.
Pick disease. Also called: PICK DISEASE OF BRAIN; DEMENTIA WITH LOBAR ATROPHY AND NEURONAL CYTOPLASMIC INCLUSIONS; LOBAR ATROPHY OF BRAIN; Pick's disease; Pick Disease of the Brain. Identifiers: Orphanet 282, MedGen C0236642, MONDO:0008243, OMIM 172700.

Submissions (3):

Athena Diagnostics
Classification: Likely pathogenic. Last evaluated: 2022-01-11. Review status: criteria provided, single submitter. Criteria: Athena Diagnostics Criteria. Collection method: clinical testing. Allele origin: unknown.
Comment: This variant was not reported in large, multi-ethnic, general populations. This variant has been identified in at least one individual with clinical features associated with this gene. Assessment of experimental evidence suggests this variant results in abnormal protein function. Studies show this variant results in an increase of amyloid-beta-42 to amyloid-beta-40 production (PMID: 10327206, 27930341).

Fulgent Genetics
Classification: Likely pathogenic for Pick disease; Frontotemporal dementia; Alzheimer disease 3; Dilated cardiomyopathy 1U; Acne inversa, familial, 3. Last evaluated: 2018-10-31. Review status: criteria provided, single submitter. Criteria: ACMG Guidelines, 2015. Collection method: clinical testing. Allele origin: unknown.

VIB  Department of Molecular Genetics, University of Antwerp
No classification provided. Review status: no classification provided. Collection method: not provided. Allele origin: unknown. Not counted in ClinVar's aggregate classification.

Literature cited by the submitters: PubMed 26756738 (cited by Athena Diagnostics); PubMed 28350801 (cited by Athena Diagnostics); PubMed 27930341 (cited by Athena Diagnostics); PubMed 34220489 (cited by Athena Diagnostics); PubMed 31381512 (cited by Athena Diagnostics); PubMed 10327206 (cited by Athena Diagnostics); PubMed 10441572 (cited by Athena Diagnostics); PubMed 11524469 (cited by Athena Diagnostics); PubMed 8634712 (cited by Athena Diagnostics); PubMed 14743455 (cited by Athena Diagnostics).